The following is an entry in ClinVar:

ClinVar aggregate classification (germline): Uncertain significance (1 of 4 stars; one submission).

Conditions:
Cone-rod dystrophy 13 (CORD13). Identifiers: Orphanet 1872, MedGen C2750720, MONDO:0011987, OMIM 608194.
Leber congenital amaurosis 6 (LCA6). Identifiers: Orphanet 65, MedGen C1854260, MONDO:0013446, OMIM 613826.

Allele frequency attached by ClinVar (database versions not stated): gnomAD exomes below 0.00001; ExAC 0.00001; ESP Exome Variant Server 0.00008.
gnomAD v4.1: 2 of 1,613,906 alleles (0.00012%); highest among the groups gnomAD compares: Non-Finnish European, 0.00017%; no homozygotes.

Submission:

Labcorp Genetics (formerly Invitae), Labcorp
Classification: Uncertain significance for Leber congenital amaurosis 6; Cone-rod dystrophy 13. Last evaluated: 2021-05-03. Review status: criteria provided, single submitter. Criteria: Invitae Variant Classification Sherloc (09022015). Collection method: clinical testing. Allele origin: germline.
Comment: In summary, the available evidence is currently insufficient to determine the role of this variant in disease. Therefore, it has been classified as a Variant of Uncertain Significance. Algorithms developed to predict the effect of missense changes on protein structure and function are either unavailable or do not agree on the potential impact of this missense change (SIFT: "Tolerated"; PolyPhen-2: "Possibly Damaging"; Align-GVGD: "Class C0"). This variant has not been reported in the literature in individuals with RPGRIP1-related conditions. This variant is present in population databases (rs376805437, ExAC 0.002%). This sequence change replaces alanine with proline at codon 940 of the RPGRIP1 protein (p.Ala940Pro). The alanine residue is moderately conserved and there is a small physicochemical difference between alanine and proline.

NM_020366.4(RPGRIP1):c.2818G>C (p.Ala940Pro)

Gene: RPGRIP1 (RPGR interacting protein 1; plus strand). Cytogenetic location: 14q11.2.
Variant type: single nucleotide variant.
Coding change: c.2818G>C on transcript NM_020366.4 (MANE Select); coding-DNA position 2818, G replaced by C.
Protein change: p.Ala940Pro; replaces alanine 940 with proline.
Molecular consequence: missense variant.
Genome position (GRCh38, 1-based): chr14:21,327,730, G>C. VCF-style: chr14-21327730-G-C. GRCh37 (hg19) VCF-style: chr14-21795889-G-C.
Other names: c.796G>C, p.Ala266Pro (NM_001377523.1, NM_001377950.1); c.1744G>C, p.Ala582Pro (NM_001377948.1); c.904G>C, p.Ala302Pro (NM_001377949.1); c.298G>C, p.Ala100Pro (NM_001377951.1); short protein forms A100P, A582P, A940P, A266P, A302P.
Identifiers: ClinVar variation 1415751 (VCV001415751.8), dbSNP rs376805437, ClinGen allele CA7089353.
Genomic context (GRCh38, chr14:21,327,730, plus strand): 5'-CAAGTGCAACTGGATTGGAAGTTTCCCTACATACCCCCTGAGAGCTTCCTGAAACCAGAA[G>C]CTCAGACTAAGGGGAAGGATACCAAGGACAGTTCAAAGATCTCATCTGAAGAGGAAAAGG-3'
Protein context (NP_065099.3, residues 930-950): IPPESFLKPE[Ala940Pro]QTKGKDTKDS